The following is an entry in ClinVar:

NM_000202.8(IDS):c.1587del (p.Leu530fs)

Gene: IDS (iduronate 2-sulfatase; minus strand). Cytogenetic location: Xq28.
Variant type: Deletion.
Coding change: c.1587del on transcript NM_000202.8 (MANE Select); coding-DNA position 1587, one base deleted (A; older notation c.1587delA).
Protein change: p.Leu530fs; shifts the reading frame from leucine 530.
Molecular consequence: frameshift variant.
Genome position (GRCh38, 1-based): chrX:149,482,812, T deleted on the plus strand (A on the coding strand, the reverse complement: IDS is on the minus strand). VCF-style (leftmost placement, unchanged base first): chrX-149482811-AT-A. GRCh37 (hg19) VCF-style: chrX-148564342-AT-A.
Other names: c.1317del, p.Leu440fs (NM_001166550.4); short protein forms L440fs, L530fs.
Identifiers: ClinVar variation 3256091 (VCV003256091.2).

ClinVar aggregate classification (germline): Pathogenic (1 of 4 stars; one submission).

Conditions:
Mucopolysaccharidosis, MPS-II (MPS2). Also called: Hunter Syndrome; IDURONATE 2-SULFATASE DEFICIENCY; Mucopolysaccharidosis Type II; Mucopolysaccharidosis type 2; Attenuated MPS (subtype; formerly known as mild MPS II); Severe MPS II. Identifiers: Orphanet 580, Orphanet 79388, MedGen C0026705, MONDO:0010674, OMIM 309900.

Submission:

Laboratory of Diagnosis and Therapy of Lysosomal Disorders, University of Padova
Classification: Pathogenic for Mucopolysaccharidosis, MPS-II. Last evaluated: 2024-06-07. Review status: criteria provided, single submitter. Criteria: ACMG Guidelines, 2015. Collection method: literature only. Allele origin: germline. Affected: yes. Observed: 1 variant allele.
Comment: Null variant (PVS1_Strong), Absent from controls (or at low frequency) in gnomAD database (PM2_Moderate), Patient’s phenotype or family history highly specific for the disease (PP4_Strong)

Classification method: ACMG Guidelines [PMID:25741868] with modifications

Literature cited by the submitters: PubMed 9660053.